The following is an entry in ClinVar:

ClinVar aggregate classification (germline): Uncertain significance. Review status: criteria provided, multiple submitters, no conflicts (2 of 4 stars). 2 submissions from 2 submitters: Uncertain significance (2). Last evaluated 2025-06-01.

Conditions:
Charcot-Marie-Tooth disease. Also called: Charcot-Marie-Tooth Neuropathy; Charcot-Marie-Tooth Hereditary Neuropathy. Identifiers: Orphanet 166, MedGen C0007959, MONDO:0015626.

gnomAD v4.1: 5 of 1,613,832 alleles (0.00031%); highest among the groups gnomAD compares: Non-Finnish European, 0.00042%; no homozygotes.

Submissions (2):

CeGaT Center for Human Genetics Tuebingen
Classification: Uncertain significance. Last evaluated: 2025-06-01. Review status: criteria provided, single submitter. Criteria: CeGaT Center For Human Genetics Tuebingen Variant Classification Criteria Version 2. Collection method: clinical testing. Allele origin: germline. Affected: yes. Observed: 1 variant allele.
Comment: MFN2: PM2

Molecular Genetics Laboratory, London Health Sciences Centre
Classification: Uncertain significance for Charcot-Marie-Tooth disease. Review status: criteria provided, single submitter. Criteria: ACMG Guidelines, 2015. Collection method: clinical testing. Allele origin: germline. Affected: yes.

NM_014874.4(MFN2):c.159C>G (p.Ser53Arg)

Gene: MFN2 (mitofusin 2; plus strand). Cytogenetic location: 1p36.22.
Variant type: single nucleotide variant.
Coding change: c.159C>G on transcript NM_014874.4 (MANE Select); coding-DNA position 159, C replaced by G.
Protein change: p.Ser53Arg; replaces serine 53 with arginine.
Molecular consequence: missense variant.
Genome position (GRCh38, 1-based): chr1:11,989,327, C>G. VCF-style: chr1-11989327-C-G. GRCh37 (hg19) VCF-style: chr1-12049384-C-G.
Other names: c.159C>G, p.Ser53Arg (NM_001127660.2); short protein forms S53R.
Identifiers: ClinVar variation 917371 (VCV000917371.9), dbSNP rs61733200, ClinGen allele CA338460073.